The following is an entry in ClinVar:

NM_001042492.3(NF1):c.1960_1962del (p.Pro654del)

Gene: NF1 (neurofibromin 1; plus strand). Cytogenetic location: 17q11.2.
Variant type: Deletion.
Coding change: c.1960_1962del on transcript NM_001042492.3 (MANE Select); coding-DNA positions 1960 to 1962, 3 bases deleted (CCT; older notation c.1960_1962delCCT).
Protein change: p.Pro654del; deletes proline 654.
Molecular consequence: inframe deletion. On other transcripts: inframe indel (1).
Genome position (GRCh38, 1-based): chr17:31,225,209-31,225,211, CCT deleted; deleting any 3 consecutive bases within chr17:31,225,207-31,225,211 gives the same sequence; the c. name uses the placement nearest the transcript's 3' end. VCF-style (leftmost placement, unchanged base first): chr17-31225206-ACTC-A. GRCh37 (hg19) VCF-style: chr17-29552224-ACTC-A.
Other names: c.1960_1962delCCT, p.Pro654del (NM_000267.4); short protein forms P654del.
Identifiers: ClinVar variation 1373133 (VCV001373133.8), dbSNP rs2144027388, ClinGen allele CA2573153239.

ClinVar aggregate classification (germline): Uncertain significance (1 of 4 stars; one submission).

Conditions:
Neurofibromatosis, type 1 (NF1). Also called: Peripheral type neurofibromatosis; Neurofibromatosis, type I; NEUROFIBROMATOSIS, TYPE I, SOMATIC; VON RECKLINGHAUSEN DISEASE. Identifiers: Orphanet 636, MedGen C0027831, MONDO:0018975, OMIM 162200. Disease mechanism: loss of function.

Submission:

Labcorp Genetics (formerly Invitae), Labcorp
Classification: Uncertain significance for Neurofibromatosis, type 1. Last evaluated: 2021-02-17. Review status: criteria provided, single submitter. Criteria: Invitae Variant Classification Sherloc (09022015). Collection method: clinical testing. Allele origin: germline.
Comment: This variant, c.1960_1962del, results in the deletion of 1 amino acid(s) of the NF1 protein (p.Pro654del), but otherwise preserves the integrity of the reading frame. This variant is not present in population databases (ExAC no frequency). This variant has not been reported in the literature in individuals with NF1-related conditions. Experimental studies and prediction algorithms are not available or were not evaluated, and the functional significance of this variant is currently unknown. In summary, the available evidence is currently insufficient to determine the role of this variant in disease. Therefore, it has been classified as a Variant of Uncertain Significance.